The following is an entry in ClinVar:

ClinVar aggregate classification (germline): Likely benign. Review status: criteria provided, multiple submitters, no conflicts (2 of 4 stars). 2 submissions from 2 submitters: Likely benign (2). Last evaluated 2025-06-19.

Conditions:
Wolman disease (WOLD). Also called: Acid cholesteryl ester hydrolase deficiency, Wolman type; Acid lipase disease; Wolman disease, CESD; LYSOSOMAL ACID LIPASE DEFICIENCY, ACUTE INFANTILE; LYSOSOMAL ACID LIPASE DEFICIENCY, COMPLETE; LIPA DEFICIENCY, COMPLETE. Identifiers: Orphanet 75233, MedGen C0043208, MONDO:0019148, OMIM 620151.
LIPA-related disorder. Also called: LIPA-related condition; LIPA-related disorders.

gnomAD v4.1: 8 of 1,613,820 alleles (0.0005%); highest among the groups gnomAD compares: Non-Finnish European, 0.00068%; no homozygotes.

Submissions (2):

PreventionGenetics, part of Exact Sciences
Classification: Likely benign for LIPA-related condition. Last evaluated: 2025-06-19. Review status: criteria provided, single submitter. Criteria: ACMG Guidelines, 2015. Collection method: clinical testing. Allele origin: germline.
Comment: This variant is classified as likely benign based on ACMG/AMP sequence variant interpretation guidelines (Richards et al. 2015 PMID: 25741868, with internal and published modifications).

Labcorp Genetics (formerly Invitae), Labcorp
Classification: Likely benign for Wolman disease. Last evaluated: 2022-01-01. Review status: criteria provided, single submitter. Criteria: Invitae Variant Classification Sherloc (09022015). Collection method: clinical testing. Allele origin: germline.

NM_000235.4(LIPA):c.735C>T (p.Thr245=)

Gene: LIPA (lipase A, lysosomal acid type; minus strand). Cytogenetic location: 10q23.31.
Variant type: single nucleotide variant.
Coding change: c.735C>T on transcript NM_000235.4 (MANE Select); coding-DNA position 735, C replaced by T.
Protein change: p.Thr245=; no amino-acid change (threonine 245 retained).
Molecular consequence: synonymous variant.
Genome position (GRCh38, 1-based): chr10:89,223,771, G>A on the plus strand (C>T on the coding strand, the complement: LIPA is on the minus strand). VCF-style: chr10-89223771-G-A. GRCh37 (hg19) VCF-style: chr10-90983528-G-A.
Other names: c.735C>T (NM_000235.3); c.735C>T, p.Thr245= (NM_001127605.3); c.387C>T, p.Thr129= (NM_001288979.2).
Identifiers: ClinVar variation 1937590 (VCV001937590.6), dbSNP rs766297332, ClinGen allele CA470737830.